The following is an entry in ClinVar:

ClinVar aggregate classification (germline): Conflicting classifications of pathogenicity. Review status: criteria provided, conflicting classifications (1 of 4 stars). 2 submissions from 2 submitters: Uncertain significance (1); Likely benign (1). Last evaluated 2023-09-28.

Conditions:
Inborn genetic diseases. Identifiers: MedGen C0950123, MeSH D030342.
Cerebral cavernous malformation (CCM). Also called: Cerebral cavernous malformations; Cerebral cavernous hemangioma (type); CAVERNOUS ANGIOMA, FAMILIAL; CAVERNOUS ANGIOMATOUS MALFORMATIONS; CEREBRAL CAPILLARY MALFORMATIONS; Cavernous Hemangioma of Brain. Identifiers: Orphanet 221061, MedGen C2919945, MONDO:0000820, OMIM 116860, HP:0033522.

Allele frequency attached by ClinVar (database versions not stated): gnomAD 0.00001; TOPMed 0.00001; gnomAD exomes 0.00002; ExAC 0.00003.
gnomAD v4.1: 38 of 1,612,890 alleles (0.0024%); highest among the groups gnomAD compares: South Asian, 0.011%; no homozygotes.

Submissions (2):

Clinical Genomics Laboratory, Washington University in St. Louis
Classification: Uncertain significance for Cerebral cavernous malformation. Last evaluated: 2023-09-28. Review status: criteria provided, single submitter. Criteria: ACMG Guidelines, 2015. Collection method: clinical testing. Allele origin: germline.
Comment: The KRIT1 c.1688A>G (p.Tyr563Cys) variant was identified at near heterozygous allelic fraction and to our knowledge, it has not been reported in the medical literature. This variant has been reported in the ClinVar database as likely benign by a single submitter (ClinVar ID: 2533693). KRIT1 c.1688A>G (p.Tyr563Cys) is only observed on 2/152202 alleles in the general population (gnomAD v.3.1.2), indicating it is not a common variant. Computational predictors suggest that KRIT1 c.1688A>G (p.Tyr563Cys) is damaging, evidence that correlates with impact to KRIT1 function. Due to limited information, and based on ACMG/AMP guidelines for variant interpretation (Richards S et al., PMID: 25741868), KRIT1 c.1688A>G (p.Tyr563Cys) is classified as being of uncertain significance at this time.

Ambry Genetics
Classification: Likely benign for Inborn genetic diseases. Last evaluated: 2023-05-17. Review status: criteria provided, single submitter. Criteria: Ambry Variant Classification Scheme 2023. Collection method: clinical testing. Allele origin: germline.

NM_194454.3(KRIT1):c.1688A>G (p.Tyr563Cys)

Gene: KRIT1 (KRIT1 ankyrin repeat containing; minus strand). Cytogenetic location: 7q21.2.
Variant type: single nucleotide variant.
Coding change: c.1688A>G on transcript NM_194454.3 (MANE Select); coding-DNA position 1688, A replaced by G.
Protein change: p.Tyr563Cys; replaces tyrosine 563 with cysteine.
Molecular consequence: missense variant.
Genome position (GRCh38, 1-based): chr7:92,214,653, T>C on the plus strand (A>G on the coding strand, the complement: KRIT1 is on the minus strand). VCF-style: chr7-92214653-T-C. GRCh37 (hg19) VCF-style: chr7-91843967-T-C.
Other names: c.1544A>G, p.Tyr515Cys (NM_001013406.2, NM_001350669.1, NM_001350670.1); c.974A>G, p.Tyr325Cys (NM_001350671.1); c.1688A>G, p.Tyr563Cys (NM_001350672.1, NM_001350673.1, NM_001350674.1 and 26 more transcripts); short protein forms Y563C, Y515C, Y325C.
Identifiers: ClinVar variation 2533693 (VCV002533693.3), dbSNP rs756158170, ClinGen allele CA4339059.
Genomic context (GRCh38, chr7:92,214,653, plus strand): 5'-ATAATATTAAATACTTACTTTAGGAAACCTTGCTTGTGTTTTTTACTCTCATAATTTCCA[T>C]AGACTATTTGCAAAAGCAGACTTGCCAATGTTATCAGCTTAGCATCAGGAGCTGTATAAA-3'
Protein context (NP_919436.1, residues 553-573): TLASLLLQIV[Tyr563Cys]GNYESKKHKQ